The following is an entry in ClinVar:

ClinVar aggregate classification (germline): Uncertain significance (1 of 4 stars; one submission).

Conditions:
Gamma-aminobutyric acid transaminase deficiency (GABATD). Also called: GABA transaminase deficiency; Gamma aminobutyrate transaminase deficiency; 4 alpha aminobutyrate transaminase deficiency; GABA aminotransaminase deficiency. Identifiers: Orphanet 2066, MedGen C0342708, MONDO:0013166, OMIM 613163.

Allele frequency attached by ClinVar (database versions not stated): TOPMed 0.00007.

Submission:

Labcorp Genetics (formerly Invitae), Labcorp
Classification: Uncertain significance for Gamma-aminobutyric acid transaminase deficiency. Last evaluated: 2022-06-22. Review status: criteria provided, single submitter. Criteria: Invitae Variant Classification Sherloc (09022015). Collection method: clinical testing. Allele origin: germline.
Comment: This sequence change affects codon 215 of the ABAT mRNA. It is a 'silent' change, meaning that it does not change the encoded amino acid sequence of the ABAT protein. In summary, the available evidence is currently insufficient to determine the role of this variant in disease. Therefore, it has been classified as a Variant of Uncertain Significance. Algorithms developed to predict the effect of sequence changes on RNA splicing suggest that this variant may create or strengthen a splice site. ClinVar contains an entry for this variant (Variation ID: 972048). This variant has not been reported in the literature in individuals affected with ABAT-related conditions. This variant is present in population databases (rs1139522, gnomAD 0.01%).

NM_020686.6(ABAT):c.645C>T (p.Gly215=)

Gene: ABAT (4-aminobutyrate aminotransferase; plus strand). Cytogenetic location: 16p13.2.
Variant type: single nucleotide variant.
Coding change: c.645C>T on transcript NM_020686.6 (MANE Select); coding-DNA position 645, C replaced by T.
Protein change: p.Gly215=; no amino-acid change (glycine 215 retained).
Molecular consequence: synonymous variant.
Genome position (GRCh38, 1-based): chr16:8,768,234, C>T. VCF-style: chr16-8768234-C-T. GRCh37 (hg19) VCF-style: chr16-8862091-C-T.
Other names: c.645C>T, p.Gly215= (NM_000663.5, NM_001127448.2, NM_001386600.1 and 7 more transcripts); c.582C>T, p.Gly194= (NM_001386606.1, NM_001386607.1); c.552C>T, p.Gly184= (NM_001386608.1); c.510C>T, p.Gly170= (NM_001386610.1, NM_001386611.1); c.447C>T, p.Gly149= (NM_001386612.1, NM_001386613.1); c.399C>T, p.Gly133= (NM_001386614.1); c.741C>T, p.Gly247= (NM_001386615.1).
Identifiers: ClinVar variation 972048 (VCV000972048.7), dbSNP rs1139522, ClinGen allele CA7893238.